The following is an entry in ClinVar:

NM_000052.7(ATP7A):c.617T>G (p.Leu206Arg)

Gene: ATP7A (ATPase copper transporting alpha; plus strand). Cytogenetic location: Xq21.1.
Variant type: single nucleotide variant.
Coding change: c.617T>G on transcript NM_000052.7 (MANE Select); coding-DNA position 617, T replaced by G.
Protein change: p.Leu206Arg; replaces leucine 206 with arginine.
Molecular consequence: missense variant.
Genome position (GRCh38, 1-based): chrX:77,989,239, T>G. VCF-style: chrX-77989239-T-G. GRCh37 (hg19) VCF-style: chrX-77244735-T-G.
Other names: c.617T>G, p.Leu206Arg (NM_001282224.2); c.617T>G (NM_000052.4, NM_000052.6); short protein forms L206R.
Identifiers: ClinVar variation 1684267 (VCV001684267.10), dbSNP rs2149083027, ClinGen allele CA413600424.

ClinVar aggregate classification (germline): Uncertain significance. Review status: criteria provided, multiple submitters, no conflicts (2 of 4 stars). 5 submissions from 4 submitters: Uncertain significance (4). 1 of the submissions does not count toward it. Last evaluated 2025-10-09.

Conditions:
ATP7A-realted disorder.
Inborn genetic diseases. Identifiers: MedGen C0950123, MeSH D030342.
Menkes kinky-hair syndrome (MNK). Also called: Copper transport disease; Classic Menkes Disease; Menkes Disease. Identifiers: Orphanet 565, MedGen C0022716, MONDO:0010651, OMIM 309400.
Cutis laxa, X-linked (OHS). Also called: EDS IX; Occipital horn syndrome. Identifiers: Orphanet 198, MedGen C0268353, MONDO:0010572, OMIM 304150.
X-linked distal spinal muscular atrophy type 3. Also called: SPINAL MUSCULAR ATROPHY, DISTAL, X-LINKED RECESSIVE; ATP7A-Related Distal Motor Neuropathy; NEURONOPATHY, DISTAL HEREDITARY MOTOR, X-LINKED; NEUROPATHY, DISTAL HEREDITARY MOTOR, X-LINKED. Identifiers: Orphanet 139557, MedGen C1845359, MONDO:0010338, OMIM 300489.
ATP7A-related disorder. Also called: ATP7A-related condition.

Submissions (5):

Labcorp Genetics (formerly Invitae), Labcorp
Classification: Uncertain significance for X-linked distal spinal muscular atrophy type 3; Cutis laxa, X-linked; Menkes kinky-hair syndrome. Last evaluated: 2025-10-09. Review status: criteria provided, single submitter. Criteria: Invitae Variant Classification Sherloc (09022015). Collection method: clinical testing. Allele origin: germline.
Comment: This sequence change replaces leucine, which is neutral and non-polar, with arginine, which is basic and polar, at codon 206 of the ATP7A protein (p.Leu206Arg). This variant is not present in population databases (gnomAD no frequency). This missense change has been observed in individual(s) with clinical features of Menkes disease (PMID: 36474027). ClinVar contains an entry for this variant (Variation ID: 1684267). Invitae Evidence Modeling of protein sequence and biophysical properties (such as structural, functional, and spatial information, amino acid conservation, physicochemical variation, residue mobility, and thermodynamic stability) has been performed for this missense variant. However, the output from this modeling did not meet the statistical confidence thresholds required to predict the impact of this variant on ATP7A protein function. In summary, the available evidence is currently insufficient to determine the role of this variant in disease. Therefore, it has been classified as a Variant of Uncertain Significance.

Daryl Scott Lab, Baylor College of Medicine
Classification: Uncertain significance for Menkes kinky-hair syndrome. Last evaluated: 2024-04-01. Review status: criteria provided, single submitter. Criteria: ACMG Guidelines, 2015. Collection method: clinical testing. Allele origin: maternal. Observed: 1 heterozygote.
Comment: PM2, PP3

Daryl Scott Lab, Baylor College of Medicine
Classification: Uncertain significance for ATP7A-realted disorder. Last evaluated: 2022-02-01. Review status: criteria provided, single submitter. Criteria: ACMG Guidelines, 2015. Collection method: clinical testing. Allele origin: maternal. Observed: 1 variant allele.

Ambry Genetics
Classification: Uncertain significance for Inborn genetic diseases. Last evaluated: 2021-08-31. Review status: criteria provided, single submitter. Criteria: Ambry Variant Classification Scheme 2023. Collection method: clinical testing. Allele origin: germline.
Comment: The p.L206R variant (also known as c.617T>G), located in coding exon 3 of the ATP7A gene, results from a T to G substitution at nucleotide position 617. The leucine at codon 206 is replaced by arginine, an amino acid with dissimilar properties. This amino acid position is conserved. In addition, this alteration is predicted to be deleterious by in silico analysis. Since supporting evidence is limited at this time, the clinical significance of this alteration remains unclear.

PreventionGenetics, part of Exact Sciences
Classification: Uncertain significance for ATP7A-related condition. Last evaluated: 2024-03-26. Review status: no assertion criteria provided. Collection method: clinical testing. Allele origin: germline. Not counted in ClinVar's aggregate classification.
Comment: The ATP7A c.617T>G variant is predicted to result in the amino acid substitution p.Leu206Arg. This variant was reported in an individual with Hirschsprung disease and feeding difficulties (Mederer et al. 2020. PubMed ID: 33151932). This variant has not been reported in a large population database, indicating this variant is rare. At this time, the clinical significance of this variant is uncertain due to the absence of conclusive functional and genetic evidence.

Literature cited by the submitters: PubMed 36474027 (cited by Labcorp Genetics (formerly Invitae), Labcorp and Daryl Scott Lab, Baylor College of Medicine).